The following is an entry in ClinVar:

ClinVar aggregate classification (germline): Uncertain significance (1 of 4 stars; one submission).

Allele frequency attached by ClinVar (database versions not stated): gnomAD exomes below 0.00001.
gnomAD v4.1: 1 of 1,613,910 alleles (0.000062%); highest among the groups gnomAD compares: Non-Finnish European, 0.000085%; no homozygotes.

Submission:

Labcorp Genetics (formerly Invitae), Labcorp
Classification: Uncertain significance. Last evaluated: 2022-10-17. Review status: criteria provided, single submitter. Criteria: Invitae Variant Classification Sherloc (09022015). Collection method: clinical testing. Allele origin: germline.
Comment: This sequence change replaces proline, which is neutral and non-polar, with alanine, which is neutral and non-polar, at codon 2948 of the PCLO protein (p.Pro2948Ala). This variant is not present in population databases (gnomAD no frequency). This variant has not been reported in the literature in individuals affected with PCLO-related conditions. ClinVar contains an entry for this variant (Variation ID: 1377771). Algorithms developed to predict the effect of missense changes on protein structure and function are either unavailable or do not agree on the potential impact of this missense change (SIFT: "Deleterious"; PolyPhen-2: "Not Available"; Align-GVGD: "Class C0"). In summary, the available evidence is currently insufficient to determine the role of this variant in disease. Therefore, it has been classified as a Variant of Uncertain Significance.

NM_033026.6(PCLO):c.8842C>G (p.Pro2948Ala)

Gene: PCLO (piccolo presynaptic cytomatrix protein; minus strand). Cytogenetic location: 7q21.11.
Variant type: single nucleotide variant.
Coding change: c.8842C>G on transcript NM_033026.6 (MANE Select); coding-DNA position 8842, C replaced by G.
Protein change: p.Pro2948Ala; replaces proline 2948 with alanine.
Molecular consequence: missense variant.
Genome position (GRCh38, 1-based): chr7:82,952,111, G>C on the plus strand (C>G on the coding strand, the complement: PCLO is on the minus strand). VCF-style: chr7-82952111-G-C. GRCh37 (hg19) VCF-style: chr7-82581427-G-C.
Other names: c.8842C>G, p.Pro2948Ala (NM_014510.3); short protein forms P2948A.
Identifiers: ClinVar variation 1377771 (VCV001377771.6), dbSNP rs994883463, ClinGen allele CA367909885.
Genomic context (GRCh38, chr7:82,952,111, plus strand): 5'-CAAAACGATCCTCAGGAAGAGTAGTTGCAGGCTGCTGTGCTGTGCAGCTCCTTCCAAATG[G>C]TAATTTATAAACCACATCACAGCACACAGCTCTTCTCCCTGCGGTTAAATCAACGGGTTT-3'
Protein context (NP_149015.2, residues 2938-2958): AVCCDVVYKL[Pro2948Ala]FGRSCTAQQP